The following is an entry in ClinVar:

NM_001103.4(ACTN2):c.242-3C>A

Gene: ACTN2 (actinin alpha 2; plus strand). Cytogenetic location: 1q43.
Variant type: single nucleotide variant.
Coding change: c.242-3C>A on transcript NM_001103.4 (MANE Select); 3 bases into the intron before coding-DNA position 242, C replaced by A.
Molecular consequence: intron variant.
Genome position (GRCh38, 1-based): chr1:236,718,891, C>A. VCF-style: chr1-236718891-C-A. GRCh37 (hg19) VCF-style: chr1-236882191-C-A.
Other names: c.242-3C>A (NM_001278343.2).
Identifiers: ClinVar variation 2941056 (VCV002941056.3), dbSNP rs770703958, ClinGen allele CA2487035713.

ClinVar aggregate classification (germline): Uncertain significance (1 of 4 stars; one submission).

Conditions:
Primary familial hypertrophic cardiomyopathy (HCM). Identifiers: Orphanet 99739, MedGen C0949658, MeSH D024741, MONDO:0024573. Inheritance: Various modes of inheritance.
Dilated cardiomyopathy 1AA (CMD1AA). Also called: Cardiomyopathy, dilated, 1AA, with or without LVNC; CARDIOMYOPATHY, DILATED, 1AA, WITH OR WITHOUT LEFT VENTRICULAR NONCOMPACTION; CARDIOMYOPATHY, FAMILIAL HYPERTROPHIC, 23, WITH OR WITHOUT LEFT VENTRICULAR NONCOMPACTION. Identifiers: Orphanet 154, MedGen C2677338, MONDO:0012808, OMIM 612158.

gnomAD v4.1: 1 of 1,614,158 alleles (0.000062%); no homozygotes.

Submission:

Labcorp Genetics (formerly Invitae), Labcorp
Classification: Uncertain significance for Primary familial hypertrophic cardiomyopathy; Dilated cardiomyopathy 1AA. Last evaluated: 2022-10-27. Review status: criteria provided, single submitter. Criteria: Invitae Variant Classification Sherloc (09022015). Collection method: clinical testing. Allele origin: germline.
Comment: In summary, the available evidence is currently insufficient to determine the role of this variant in disease. Therefore, it has been classified as a Variant of Uncertain Significance. Variants that disrupt the consensus splice site are a relatively common cause of aberrant splicing (PMID: 17576681, 9536098). Algorithms developed to predict the effect of sequence changes on RNA splicing suggest that this variant may disrupt the consensus splice site. This variant has not been reported in the literature in individuals affected with ACTN2-related conditions. This variant is not present in population databases (gnomAD no frequency). This sequence change falls in intron 2 of the ACTN2 gene. It does not directly change the encoded amino acid sequence of the ACTN2 protein. It affects a nucleotide within the consensus splice site.

Literature cited by the submitters: PubMed 17576681; PubMed 9536098.